The following is an entry in ClinVar:

NM_052989.3(IFT122):c.969G>A (p.Trp323Ter)

Gene: IFT122 (intraflagellar transport 122; plus strand). Cytogenetic location: 3q21.3.
Variant type: single nucleotide variant.
Coding change: c.969G>A on transcript NM_052989.3 (MANE Select); coding-DNA position 969, G replaced by A.
Protein change: p.Trp323Ter; replaces tryptophan 323 with a stop codon.
Molecular consequence: nonsense.
Genome position (GRCh38, 1-based): chr3:129,476,467, G>A. VCF-style: chr3-129476467-G-A. GRCh37 (hg19) VCF-style: chr3-129195310-G-A.
Other names: c.945G>A, p.Trp315Ter (NM_001280541.2); c.519G>A, p.Trp173Ter (NM_001280545.2); c.342G>A, p.Trp114Ter (NM_001280546.2); c.969G>A, p.Trp323Ter (NM_001410808.1, NM_001410809.1); c.792G>A, p.Trp264Ter (NM_001410810.1, NM_001410811.1, NM_001410813.1 and 1 more transcripts); c.636G>A, p.Trp212Ter (NM_001410815.1, NM_001410817.1, NM_001438041.1 and 1 more transcripts); c.813G>A, p.Trp271Ter (NM_001438637.1, NM_001438638.1, NM_001438639.1 and 1 more transcripts); c.1122G>A, p.Trp374Ter (NM_052985.4); short protein forms W212*, W315*, W323*, W271*, W114*, W173*, W264*, W374*.
Identifiers: ClinVar variation 4772282 (VCV004772282.1).
Genomic context (GRCh38, chr3:129,476,467, plus strand): 5'-AGTATCTCTTTTCACCAAGGATGGAGTGCGGCTTGGGACTGTTGGGGAGCAGAACTCCTG[G>A]GTGTGGACGTGTCAAGCGAAACCGGATTCCAACTATGTGGTAAGAAGAGAAAGTTTGTTC-3'

ClinVar aggregate classification (germline): Pathogenic (1 of 4 stars; one submission).

Conditions:
Cranioectodermal dysplasia 1 (CED1). Also called: LEVIN SYNDROME I. Identifiers: Orphanet 1515, MedGen C0432235, MONDO:0021093, OMIM 218330.

Submission:

Labcorp Genetics (formerly Invitae), Labcorp
Classification: Pathogenic for Cranioectodermal dysplasia 1. Last evaluated: 2025-10-16. Review status: criteria provided, single submitter. Criteria: Invitae Variant Classification Sherloc (09022015). Collection method: clinical testing. Allele origin: germline.
Comment: This sequence change creates a premature translational stop signal (p.Trp374*) in the IFT122 gene. It is expected to result in an absent or disrupted protein product. Loss-of-function variants in IFT122 are known to be pathogenic (PMID: 20493458, 23826986, 26792575). This variant is not present in population databases (gnomAD no frequency). This variant has not been reported in the literature in individuals affected with IFT122-related conditions. For these reasons, this variant has been classified as Pathogenic.

Literature cited by the submitters: PubMed 20493458; PubMed 23826986; PubMed 26792575.